The following is an entry in ClinVar:

NM_023110.3(FGFR1):c.1363C>G (p.Pro455Ala)

Gene: FGFR1 (fibroblast growth factor receptor 1; minus strand). Cytogenetic location: 8p11.23.
Variant type: single nucleotide variant.
Coding change: c.1363C>G on transcript NM_023110.3 (MANE Select); coding-DNA position 1363, C replaced by G.
Protein change: p.Pro455Ala; replaces proline 455 with alanine.
Molecular consequence: missense variant.
Genome position (GRCh38, 1-based): chr8:38,418,295, G>C on the plus strand (C>G on the coding strand, the complement: FGFR1 is on the minus strand). VCF-style: chr8-38418295-G-C. GRCh37 (hg19) VCF-style: chr8-38275813-G-C.
Other names: c.1357C>G, p.Pro453Ala (NM_001174063.2, NM_001174065.2, NM_001354367.2 and 1 more transcripts); c.1333C>G, p.Pro445Ala (NM_001174064.2); c.1096C>G, p.Pro366Ala (NM_001174066.2, NM_023105.3); c.1456C>G, p.Pro486Ala (NM_001174067.2); c.1084C>G, p.Pro362Ala (NM_001354368.2); c.1351C>G, p.Pro451Ala (NM_001354369.2, NM_001410922.1); c.1090C>G, p.Pro364Ala (NM_001354370.2, NM_023106.3); short protein forms P362A, P364A, P366A, P445A, P451A, P453A, P455A, P486A.
Identifiers: ClinVar variation 3763567 (VCV003763567.3).

ClinVar aggregate classification (germline): Uncertain significance. Review status: criteria provided, multiple submitters, no conflicts (2 of 4 stars). 2 submissions from 2 submitters: Uncertain significance (2). Last evaluated 2025-10-26.

Conditions:
Hypogonadotropic hypogonadism 2 with or without anosmia (HH2). Also called: FGFR1-Related GnRH Deficiency (Kallmann Syndrome 2); HYPOGONADOTROPIC HYPOGONADISM 2 WITH OR WITHOUT ANOSMIA, SUSCEPTIBILITY TO; HYPOGONADOTROPIC HYPOGONADISM 2 WITHOUT ANOSMIA, SUSCEPTIBILITY TO; HYPOGONADOTROPIC HYPOGONADISM 2 WITHOUT ANOSMIA. Identifiers: Orphanet 478, MedGen C1563720, MONDO:0007844, OMIM 147950. Disease mechanism: loss of function.
Pfeiffer syndrome (ACS5). Also called: ACS V. Identifiers: Orphanet 710, MedGen C0220658, MONDO:0007043, OMIM 101600.

gnomAD v4.1: 6 of 1,614,230 alleles (0.00037%); highest among the groups gnomAD compares: Admixed American, 0.0017%; no homozygotes.

Submissions (2):

Clinical Genomics Laboratory, Washington University in St. Louis
Classification: Uncertain significance for Hypogonadotropic hypogonadism 2 with or without anosmia. Last evaluated: 2025-10-26. Review status: criteria provided, single submitter. Criteria: ACMG Guidelines, 2015. Collection method: clinical testing. Allele origin: germline.
Comment: An FGFR1 c.1363C>G (p.Pro455Ala) variant was identified at a near heterozygous allelic fraction of 45.3%, a frequency which may be consistent with it being of germline origin. This variant has been reported in one individual affected with Kallmann syndrome, but not in patients with vascular anomalies (Federici S et al., PMID: 36531499). It has been reported in the ClinVar database as a germline variant of uncertain significance by one submitter (Variation ID: 3763567). It is only observed in 6/1,614,230 alleles in the general population (gnomAD v4.1.0), indicating it is not a common variant. Due to limited information, and based on ACMG/AMP guidelines for variant interpretation (Richards S et al., PMID: 25741868), the clinical significance of this variant is uncertain at this time.

Labcorp Genetics (formerly Invitae), Labcorp
Classification: Uncertain significance for Pfeiffer syndrome; Hypogonadotropic hypogonadism 2 with or without anosmia. Last evaluated: 2025-01-01. Review status: criteria provided, single submitter. Criteria: Invitae Variant Classification Sherloc (09022015). Collection method: clinical testing. Allele origin: germline.
Comment: This sequence change replaces proline, which is neutral and non-polar, with alanine, which is neutral and non-polar, at codon 455 of the FGFR1 protein (p.Pro455Ala). This variant is present in population databases (rs575766741, gnomAD 0.003%). This missense change has been observed in individual(s) with Kallmann syndrome (PMID: 36531499). Invitae Evidence Modeling of protein sequence and biophysical properties (such as structural, functional, and spatial information, amino acid conservation, physicochemical variation, residue mobility, and thermodynamic stability) indicates that this missense variant is not expected to disrupt FGFR1 protein function with a negative predictive value of 80%. In summary, the available evidence is currently insufficient to determine the role of this variant in disease. Therefore, it has been classified as a Variant of Uncertain Significance.

Literature cited by the submitters: PubMed 36531499 (cited by Labcorp Genetics (formerly Invitae), Labcorp).